The following is an entry in ClinVar:

NM_000245.4(MET):c.2370T>C (p.Cys790=)

Gene: MET (MET proto-oncogene, receptor tyrosine kinase; plus strand). Cytogenetic location: 7q31.2.
Variant type: single nucleotide variant.
Coding change: c.2370T>C on transcript NM_000245.4 (MANE Select); coding-DNA position 2370, T replaced by C.
Protein change: p.Cys790=; no amino-acid change (cysteine 790 retained).
Molecular consequence: synonymous variant.
Genome position (GRCh38, 1-based): chr7:116,763,055, T>C. VCF-style: chr7-116763055-T-C. GRCh37 (hg19) VCF-style: chr7-116403109-T-C.
Other names: c.2424T>C, p.Cys808= (NM_001127500.3); c.2370T>C, p.Cys790= (NM_001324401.3); c.1080T>C, p.Cys360= (NM_001324402.2).
Identifiers: ClinVar variation 1655629 (VCV001655629.11), dbSNP rs942322578, ClinGen allele CA164897622.

ClinVar aggregate classification (germline): Benign/Likely benign. Review status: criteria provided, multiple submitters, no conflicts (2 of 4 stars). 3 submissions from 3 submitters: Benign (1); Likely benign (2). Last evaluated 2024-12-15.

Conditions:
Renal cell carcinoma. Identifiers: Orphanet 217071, MedGen C0007134, MeSH D002292, MONDO:0005086, HP:0005584.
Hereditary cancer-predisposing syndrome. Also called: Neoplastic Syndromes, Hereditary; Hereditary Cancer Syndrome; Hereditary neoplastic syndrome; Tumor predisposition. Identifiers: Orphanet 140162, MedGen C0027672, MeSH D009386, MONDO:0015356.
Papillary renal cell carcinoma type 1 (RCCP1). Also called: Renal adenocarcinoma; Renal cell carcinoma 1; Renal cell carcinoma, somatic; RENAL CELL CARCINOMA, PAPILLARY, 1, SOMATIC. Identifiers: Orphanet 47044, MedGen C1336839, OMIM 605074, HP:0011797.

Allele frequency attached by ClinVar (database versions not stated): gnomAD 0.00001; gnomAD exomes 0.00001; TOPMed 0.00001.
gnomAD v4.1: 4 of 1,613,646 alleles (0.00025%); highest among the groups gnomAD compares: Non-Finnish European, 0.00034%; no homozygotes.

Submissions (3):

Labcorp Genetics (formerly Invitae), Labcorp
Classification: Likely benign for Renal cell carcinoma. Last evaluated: 2024-12-15. Review status: criteria provided, single submitter. Criteria: Invitae Variant Classification Sherloc (09022015). Collection method: clinical testing. Allele origin: germline.

Myriad Genetics, Inc.
Classification: Benign for Papillary renal cell carcinoma type 1. Last evaluated: 2024-11-11. Review status: criteria provided, single submitter. Criteria: Myriad Autosomal Dominant, Autosomal Recessive and X-Linked Classification Criteria (2023). Collection method: clinical testing. Allele origin: unknown.
Comment: This variant is considered benign. This variant is a silent/synonymous amino acid change and it is not expected to impact splicing.

Ambry Genetics
Classification: Likely benign for Hereditary cancer-predisposing syndrome. Last evaluated: 2020-08-28. Review status: criteria provided, single submitter. Criteria: Ambry Variant Classification Scheme 2023. Collection method: clinical testing. Allele origin: germline.